The following is an entry in ClinVar:

ClinVar aggregate classification (germline): Likely benign. Review status: criteria provided, multiple submitters, no conflicts (2 of 4 stars). 2 submissions from 2 submitters: Likely benign (2). Last evaluated 2026-07-01.

Conditions:
Cardiovascular phenotype. Identifiers: MedGen CN230736.

Allele frequency attached by ClinVar (database versions not stated): gnomAD exomes 0.00002 and 0.00003; ExAC 0.00003; TOPMed 0.00003; gnomAD 0.00004; 1000 Genomes Project 30x 0.00016; 1000 Genomes Project 0.00020.
gnomAD v4.1: 53 of 1,613,420 alleles (0.0033%); highest among the groups gnomAD compares: Middle Eastern, 0.016%; no homozygotes.

Submissions (2):

CeGaT Center for Human Genetics Tuebingen
Classification: Likely benign. Last evaluated: 2026-07-01. Review status: criteria provided, single submitter. Criteria: CeGaT Center For Human Genetics Tuebingen Variant Classification Criteria Version 2. Collection method: clinical testing. Allele origin: germline. Affected: yes. Observed: 3 variant alleles.
Comment: EPHB4: BP4, BP7

Ambry Genetics
Classification: Likely benign for Cardiovascular phenotype. Last evaluated: 2025-03-04. Review status: criteria provided, single submitter. Criteria: Ambry Variant Classification Scheme 2023. Collection method: clinical testing. Allele origin: germline.

NM_004444.5(EPHB4):c.372G>A (p.Thr124=)

Gene: EPHB4 (EPH receptor B4; minus strand). Cytogenetic location: 7q22.1.
Variant type: single nucleotide variant.
Coding change: c.372G>A on transcript NM_004444.5 (MANE Select); coding-DNA position 372, G replaced by A.
Protein change: p.Thr124=; no amino-acid change (threonine 124 retained).
Molecular consequence: synonymous variant.
Genome position (GRCh38, 1-based): chr7:100,823,683, C>T on the plus strand (G>A on the coding strand, the complement: EPHB4 is on the minus strand). VCF-style: chr7-100823683-C-T. GRCh37 (hg19) VCF-style: chr7-100421305-C-T.
Other names: c.372G>A (NM_004444.4).
Identifiers: ClinVar variation 932404 (VCV000932404.40), dbSNP rs202126100, ClinGen allele CA4393323.